The following is an entry in ClinVar:

ClinVar aggregate classification (germline): Likely benign. Review status: criteria provided, multiple submitters, no conflicts (2 of 4 stars). 4 submissions from 4 submitters: Likely benign (4). Last evaluated 2025-12-01.

Conditions:
FMN2-related disorder. Also called: FMN2-related condition.

Allele frequency attached by ClinVar (database versions not stated): ExAC 0.00081; gnomAD 0.00114; ESP Exome Variant Server 0.00316.
gnomAD v4.1: 464 of 1,503,426 alleles (0.031%); highest among the groups gnomAD compares: African/African-American, 0.57%; 5 homozygotes.

Submissions (4):

CeGaT Center for Human Genetics Tuebingen
Classification: Likely benign. Last evaluated: 2025-12-01. Review status: criteria provided, single submitter. Criteria: CeGaT Center For Human Genetics Tuebingen Variant Classification Criteria Version 2. Collection method: clinical testing. Allele origin: germline. Affected: yes. Observed: 3 variant alleles.
Comment: FMN2: BP4, BP7

Blueprint Genetics
Classification: Likely benign. Last evaluated: 2024-08-28. Review status: criteria provided, single submitter. Criteria: ACMG Guidelines, 2015. Collection method: clinical testing. Allele origin: germline.

Women's Health and Genetics/Laboratory Corporation of America, LabCorp
Classification: Likely benign. Last evaluated: 2024-03-05. Review status: criteria provided, single submitter. Criteria: LabCorp Variant Classification Summary - May 2015. Collection method: clinical testing. Allele origin: germline.

PreventionGenetics, part of Exact Sciences
Classification: Likely benign for FMN2-related condition. Last evaluated: 2019-11-27. Review status: criteria provided, single submitter. Criteria: ACMG Guidelines, 2015. Collection method: clinical testing. Allele origin: germline.
Comment: This variant is classified as likely benign based on ACMG/AMP sequence variant interpretation guidelines (Richards et al. 2015 PMID: 25741868, with internal and published modifications).

NM_020066.5(FMN2):c.2937C>G (p.Pro979=)

Gene: FMN2 (formin 2; plus strand). Cytogenetic location: 1q43.
Variant type: single nucleotide variant.
Coding change: c.2937C>G on transcript NM_020066.5 (MANE Select); coding-DNA position 2937, C replaced by G.
Protein change: p.Pro979=; no amino-acid change (proline 979 retained).
Molecular consequence: synonymous variant. On other transcripts: intron variant (1).
Genome position (GRCh38, 1-based): chr1:240,207,749, C>G. VCF-style: chr1-240207749-C-G. GRCh37 (hg19) VCF-style: chr1-240371049-C-G.
Other names: c.2937C>G (NM_020066.4); c.2949C>G, p.Pro983= (NM_001305424.2); c.1986+19487C>G (NM_001348094.2).
Identifiers: ClinVar variation 2640143 (VCV002640143.28), dbSNP rs149715160, ClinGen allele CA1476902.